The following is an entry in ClinVar:

NM_006846.4(SPINK5):c.2965-330G>A

Gene: SPINK5 (serine peptidase inhibitor Kazal type 5; plus strand). Cytogenetic location: 5q32.
Variant type: single nucleotide variant.
Coding change: c.2965-330G>A on transcript NM_006846.4 (MANE Select); 330 bases into the intron before coding-DNA position 2965, G replaced by A.
Molecular consequence: intron variant.
Genome position (GRCh38, 1-based): chr5:148,130,929, G>A. VCF-style: chr5-148130929-G-A. GRCh37 (hg19) VCF-style: chr5-147510492-G-A.
Other names: c.3055-330G>A (NM_001127698.2).
Identifiers: ClinVar variation 673401 (VCV000673401.1), dbSNP rs73271175, ClinGen allele CA128947000.

ClinVar aggregate classification (germline): Likely benign (1 of 4 stars; one submission).

Allele frequency attached by ClinVar (database versions not stated): gnomAD 0.01312 and 0.01419; 1000 Genomes Project 0.01378; TOPMed 0.01436; 1000 Genomes Project 30x 0.01530.
gnomAD v4.1: 1,980 of 152,166 alleles (1.3%); highest among the groups gnomAD compares: African/African-American, 4.5%; 46 homozygotes.

Submission:

GeneDx
Classification: Likely benign. Last evaluated: 2018-06-16. Review status: criteria provided, single submitter. Criteria: GeneDx Variant Classification (06012015). Collection method: clinical testing. Allele origin: germline. Affected: yes.
Comment: This variant is considered likely benign or benign based on one or more of the following criteria: it is a conservative change, it occurs at a poorly conserved position in the protein, it is predicted to be benign by multiple in silico algorithms, and/or has population frequency not consistent with disease.